The following is an entry in ClinVar:

NM_000975.5(RPL11):c.508-1G>A

Gene: RPL11 (ribosomal protein L11; plus strand). Cytogenetic location: 1p36.11.
Variant type: single nucleotide variant.
Coding change: c.508-1G>A on transcript NM_000975.5 (MANE Select); the canonical splice acceptor site of the intron before coding-DNA position 508, G replaced by A.
Molecular consequence: splice acceptor variant.
Genome position (GRCh38, 1-based): chr1:23,696,343, G>A. VCF-style: chr1-23696343-G-A. GRCh37 (hg19) VCF-style: chr1-24022833-G-A.
Other names: c.505-1G>A (NM_001199802.1).
Identifiers: ClinVar variation 1745226 (VCV001745226.2), dbSNP rs2523404237, ClinGen allele CA338994851.
Genomic context (GRCh38, chr1:23,696,343, plus strand): 5'-CATTGCTGCAATCTCTGCTGTTGCCTCCTGTTCTGAAAAAATTAAATCTCTTCTCTTTCA[G>A]TATGATGGGATCATCCTTCCTGGCAAATAAATTCCCGTTTCTATCCAAAAGAGCAATAAA-3'

ClinVar aggregate classification (germline): Likely pathogenic (1 of 4 stars; one submission).

Conditions:
Diamond-Blackfan anemia. Also called: Blackfan Diamond syndrome; Aregenerative anemia chronic congenital; Red cell aplasia, pure hereditary; Congenital hypoplastic anemia; Aase syndrome. Identifiers: Orphanet 124, MedGen C1260899, MeSH D029503, MONDO:0015253, HP:0004810.

Submission:

Ambry Genetics
Classification: Likely pathogenic for Diamond-Blackfan anemia. Last evaluated: 2014-10-20. Review status: criteria provided, single submitter. Criteria: Ambry Variant Classification Scheme 2023. Collection method: clinical testing. Allele origin: germline.
Comment: The c.508-1G>A intronic variant, results from a G to A one nucleotide upstream from coding exon 6 of the RPL11 gene. This variant was not reported in population based cohorts in the following databases: Database of Single Nucleotide Polymorphisms (dbSNP), NHLBI Exome Sequencing Project (ESP), and 1000 Genomes Project. In the ESP, this variant was not observed in 6503 samples (13006 alleles) with coverage at this position. This nucleotide position is highly conserved in available vertebrate species. Using the BDGP and ESEfinder splice site prediction tools, this alteration is predicted to abolish the native acceptor splice site; however, direct evidence is unavailable. Alterations that disrupt the canonical splice acceptor site are typically deleterious in nature (ACMG Recommendations for Standards for Interpretation and Reporting of Sequence Variations. Revision 2007. Genet Med. 2008;10:294). As such, the c.508-1G>A variant is classified as likely pathogenic.